The following is an entry in ClinVar:

ClinVar aggregate classification (germline): Pathogenic. Review status: criteria provided, multiple submitters, no conflicts (2 of 4 stars). 8 submissions from 8 submitters: Pathogenic (8). Last evaluated 2026-01-19.

Conditions:
DSP-related disorder. Also called: DSP-related disorders; DSP-related condition.
Cardiovascular phenotype. Identifiers: MedGen CN230736.
Arrhythmogenic right ventricular dysplasia 8 (ARVD8). Also called: ARRHYTHMOGENIC RIGHT VENTRICULAR DYSPLASIA, FAMILIAL, 8; ARRHYTHMOGENIC RIGHT VENTRICULAR CARDIOMYOPATHY 8; Arrhythmogenic Right Ventricular Dysplasia/Cardiomyopathy 8. Identifiers: MedGen C1843896, MONDO:0011831, OMIM 607450.
Arrhythmogenic cardiomyopathy with wooly hair and keratoderma. Also called: Arrhythmogenic cardiomyopathy with woolly hair and keratoderma; Carvajal syndrome; Dilated cardiomyopathy with woolly hair and keratoderma; PALMOPLANTAR KERATODERMA WITH LEFT VENTRICULAR CARDIOMYOPATHY AND WOOLLY HAIR. Identifiers: Orphanet 65282, MedGen C1854063, MONDO:0011581, OMIM 605676.
Cardiomyopathy (CMYO). Also called: Cardiomyopathies. Identifiers: Orphanet 167848, MedGen C0878544, MONDO:0004994, HP:0001638. Inheritance: Various modes of inheritance.
Arrhythmogenic right ventricular cardiomyopathy (ARVD). Also called: Arrhythmogenic cardiomyopathy; Cardiomyopathy, ARVC; Arrhythmogenic right ventricular dysplasia; Arrhythmogenic Right Ventricular Cardiomyopathy (ARVC). Identifiers: Orphanet 247, MedGen C0349788, MeSH D019571, MONDO:0016587. Disease mechanism: loss of function. Inheritance: Various modes of inheritance.

Submissions (8):

Labcorp Genetics (formerly Invitae), Labcorp
Classification: Pathogenic for Arrhythmogenic cardiomyopathy with wooly hair and keratoderma; Arrhythmogenic right ventricular dysplasia 8. Last evaluated: 2026-01-19. Review status: criteria provided, single submitter. Criteria: Invitae Variant Classification Sherloc (09022015). Collection method: clinical testing. Allele origin: germline.
Comment: This sequence change creates a premature translational stop signal (p.Asp1248Lysfs*7) in the DSP gene. It is expected to result in an absent or disrupted protein product. Loss-of-function variants in DSP are known to be pathogenic (PMID: 20716751, 24503780, 25227139, 30398466). This variant is not present in population databases (gnomAD no frequency). This variant has not been reported in the literature in individuals affected with DSP-related conditions. ClinVar contains an entry for this variant (Variation ID: 199923). For these reasons, this variant has been classified as Pathogenic.

Victorian Clinical Genetics Services, Murdoch Childrens Research Institute
Classification: Pathogenic for Arrhythmogenic cardiomyopathy with wooly hair and keratoderma. Last evaluated: 2025-07-21. Review status: criteria provided, single submitter. Criteria: ACMG Guidelines, 2015. Collection method: clinical testing. Allele origin: germline. Affected: yes.
Comment: This variant is classified as Pathogenic. Evidence in support of pathogenic classification: Variant is predicted to cause nonsense-mediated decay (NMD) and loss of protein (premature termination codon is located at least 54 nucleotides upstream of the final exon-exon junction); Variant is present in gnomAD <0.01 (v4: 9 heterozygote(s), 0 homozygote(s)); This variant has strong previous evidence of pathogenicity in unrelated individuals. It has been classified as pathogenic by multiple clinical laboratories (ClinVar). This variant has also been reported in multiple unrelated individuals with DSP-related cardiac disorders (PMID: 29062697, 34352074, 39288222, 31983221, 27532257) - Other NMD-predicted variant(s) comparable to the one identified in this case have very strong previous evidence for pathogenicity (DECIPHER). Additional information: This variant is heterozygous; This gene is associated with both recessive and dominant disease. Variants in this gene are usually inherited in a dominant manner; however, rare reports of recessive inheritance have resulted in a more severe cardiac phenotype (OMIM); Loss of function is a known mechanism of disease in this gene and is associated with arrhythmogenic right ventricular dysplasia 8 (MIM#607450) and other DSP-related cardiac disorders; The condition associated with this gene has incomplete penetrance. In families with cardiomyopathies, reduced penetrance has been reported among family members aged 60-86 years (PMID: 36580316); Variants in this gene are known to have variable expressivity. Age-dependent penetrance and variable expressivity are well-described aspects of arrhythmogenic cardiomyopathy (PMID: 29062697).

GeneDx
Classification: Pathogenic. Last evaluated: 2025-06-10. Review status: criteria provided, single submitter. Criteria: GeneDx Variant Classification Process June 2021. Collection method: clinical testing. Allele origin: germline. Affected: yes.
Comment: Reported in association with a DSP-related cardiomyopathy (PMID: 27532257, 29062697, 32372669, 36264615); Not observed at significant frequency in large population cohorts (gnomAD); Frameshift variant predicted to result in protein truncation or nonsense mediated decay in a gene for which loss-of-function is a known mechanism of disease; This variant is associated with the following publications: (PMID: 37652022, 32372669, 31402444, 29062697, 33087929, 34352074, 36264615, 27532257)

Color Diagnostics, LLC DBA Color Health
Classification: Pathogenic for Cardiomyopathy. Last evaluated: 2023-08-21. Review status: criteria provided, single submitter. Criteria: ACMG Guidelines, 2015. Collection method: clinical testing. Allele origin: germline.
Comment: This variant inserts 7 nucleotides in exon 23 of the DSP gene, creating a frameshift and premature translation stop signal. This variant is expected to result in an absent or non-functional protein product. This variant has been reported in at least five unrelated individuals affected with arrhythmogenic cardiomyopathy or dilated cardiomyopathy (PMID: 27532257, 29062697, 31983221, 32372669). This variant has been identified in 1/250460 chromosomes in the general population by the Genome Aggregation Database (gnomAD). Loss of DSP function is a known mechanism of disease. Based on the available evidence, this variant is classified as Pathogenic.

All of Us Research Program, National Institutes of Health
Classification: Pathogenic for Arrhythmogenic cardiomyopathy with wooly hair and keratoderma. Last evaluated: 2023-08-16. Review status: criteria provided, single submitter. Criteria: ACMG Guidelines, 2015. Collection method: clinical testing. Allele origin: germline. Inheritance: Autosomal dominant inheritance. Observed: 2 variant alleles, 2 heterozygotes.
Comment: The c.3735_3741dup (p.Asp1248Lysfs*7) variant of the DSP gene is predicted to cause shift of reading frame that results in a premature stop codon and an absent or disrupted protein product. This variant was detected in an individual with arrhythmogenic right ventricular cardiomyopathy (ARVC), and in two affected family members and two unaffected family members (PMID: 29062697). This variant has also been reported in an individual with DSP-related cardiomyopathy and an individual with dilated cardiomyopathy (DCM), although clinical details were limited (PMID: 27532257, 32372669). Loss-of-function variants in DSP are known to be pathogenic (PMID: 20716751, 24503780, 25227139). This variant is extremely rare in the general population according to gnomAD. Therefore, the c.3735_3741dup (p.Asp1248Lysfs*7) variant in the DSP gene has been classified as pathogenic.

This study involves interpretation of variants in research participants for the purpose of population health screening. Participant phenotype was not available at the time of variant classification. Additional details can be found in publication PMID: 35346344, PMCID: PMC8962531

Blueprint Genetics
Classification: Pathogenic for DSP-related disorders. Last evaluated: 2022-09-14. Review status: criteria provided, single submitter. Criteria: ACMG Guidelines, 2015. Collection method: clinical testing. Allele origin: germline. Affected: yes. Observed: 1 variant allele.

Ambry Genetics
Classification: Pathogenic for Cardiovascular phenotype. Last evaluated: 2021-09-07. Review status: criteria provided, single submitter. Criteria: Ambry Variant Classification Scheme 2023. Collection method: clinical testing. Allele origin: germline.
Comment: The c.3735_3741dupAAATCGA pathogenic mutation, located in coding exon 23 of the DSP gene, results from a duplication of AAATCGA at nucleotide positions 3735 to 3741, causing a translational frameshift with a predicted alternate stop codon (p.D1248Kfs*7). Alterations in DSP that result in haploinsufficiency or protein truncation have been reported in patients with arrhythmogenic right ventricular cardiomyopathy (ARVC) and dilated cardiomyopathy (DCM) (Fressart V et al. Europace. 2010;12(6):861-8; Elliott P et al. Circ Cardiovasc Genet. 2010;3(4):314-22; Quarta G et al. Circulation. 2011;123(23):2701-9; Garcia-Pavia P et al. Heart. 2011;97(21):1744-52; Rasmussen TB et al. Clin Genet. 2013;84(1):20-30; Pugh TJ et al. Genet Med. 2014;16(8):601-8). This particular alteration was detected in an individual with arrhythmogenic right ventricular cardiomyopathy (ARVC), as well as in two affected family members and two unaffected family members (Docekal JW et al. HeartRhythm Case Rep, 2017 Oct;3:459-463). This variant has also been reported in a DSP-related cardiomyopathy cohort and in a cardiac genetic testing cohort, although clinical details were limited (Walsh R et al. Genet Med. 2017;19:192-203; Smith ED et al. Circulation, 2020 06;141:1872-1884). This variant is considered to be rare based on population cohorts in the Genome Aggregation Database (gnomAD). In addition to the clinical data presented in the literature, this alteration is expected to result in loss of function by premature protein truncation or nonsense-mediated mRNA decay. As such, this alteration is interpreted as a disease-causing mutation.

Laboratory for Molecular Medicine, Mass General Brigham Personalized Medicine
Classification: Pathogenic for Arrhythmogenic right ventricular cardiomyopathy. Last evaluated: 2019-07-23. Review status: criteria provided, single submitter. Criteria: LMM Criteria. Collection method: clinical testing. Allele origin: germline. Inheritance: Autosomal dominant inheritance. Observed: 2 variant alleles.
Comment: It has also been identified in 0.001% (1/113054) of European chromosomes by gnomAD and has been reported as Pathogenic in ClinVar (Variation ID 199923). This variant is predicted to cause a frameshift, which alters the proteinâ€™s amino acid sequence beginning at position 1248 and leads to a premature termination codon 7 amino acids downstream. This alteration is then predicted to lead to a truncated or absent protein. This variant is located within exon 23 of DSP, which undergoes alternative splicing to produce 3 isoforms: a short (DSPII), an intermediate (DSPIa), and a long (DSPI) form. This variant impacts the DSPI and DSPIa isoforms. The long DSPI transcript is the predominant isoform in cardiac tissue and multiple loss-of-function variants affecting this isoform have been identified in individuals with ARVC and/or DCM (Uzumcu 2006, Cabral 2010, LMM data). Loss of function of the DSP gene is an established disease mechanism in autosomal dominant ARVC and autosomal recessive Carvajal syndrome. In summary, this variant meets criteria to be classified as pathogenic for autosomal dominant ARVC and autosomal recessive Carvajal syndrome. ACMG/AMP Criteria applied: PVS1, PM2, PS4_Supporting.

Literature cited by the submitters: PubMed 20716751 (cited by Labcorp Genetics (formerly Invitae), Labcorp and All of Us Research Program, National Institutes of Health); PubMed 24503780 (cited by Labcorp Genetics (formerly Invitae), Labcorp and All of Us Research Program, National Institutes of Health); PubMed 25227139 (cited by Labcorp Genetics (formerly Invitae), Labcorp and All of Us Research Program, National Institutes of Health); PubMed 30398466 (cited by Labcorp Genetics (formerly Invitae), Labcorp); PubMed 36580316 (cited by Victorian Clinical Genetics Services, Murdoch Childrens Research Institute); PubMed 34352074 (cited by Victorian Clinical Genetics Services, Murdoch Childrens Research Institute); PubMed 27532257 (cited by 5 submitters); PubMed 39288222 (cited by Victorian Clinical Genetics Services, Murdoch Childrens Research Institute); PubMed 29062697 (cited by 5 submitters); PubMed 31983221 (cited by Victorian Clinical Genetics Services, Murdoch Childrens Research Institute and Color Diagnostics, LLC DBA Color Health); PubMed 32372669 (cited by 3 submitters); PubMed 31402444 (cited by Ambry Genetics).

NM_004415.4(DSP):c.3735_3741dup (p.Asp1248fs)

Gene: DSP (desmoplakin; plus strand). Cytogenetic location: 6p24.3.
Variant type: Duplication.
Coding change: c.3735_3741dup on transcript NM_004415.4 (MANE Select); coding-DNA positions 3735 to 3741, 7 bases duplicated (AAATCGA; older notation c.3735_3741dupAAATCGA).
Protein change: p.Asp1248fs; shifts the reading frame from aspartic acid 1248.
Molecular consequence: frameshift variant. On other transcripts: intron variant (1).
Genome position (GRCh38, 1-based): chr6:7,579,925-7,579,931, AAATCGA duplicated; duplicating any 7 consecutive bases within chr6:7,579,923-7,579,931 gives the same sequence; the c. name uses the placement nearest the transcript's 3' end. VCF-style (leftmost placement, unchanged base first): chr6-7579922-G-GGAAAATC. GRCh37 (hg19) VCF-style: chr6-7580155-G-GGAAAATC.
Other names: p.Asp1248LysfsX7; c.3735_3741dup, p.Asp1248fs (NM_001319034.2); c.3582+153_3582+159dup (NM_001008844.3); c.3735_3741dup (LRG_423t1, NM_004415.2); short protein forms D1248fs.
Identifiers: ClinVar variation 199923 (VCV000199923.29), dbSNP rs1554108152, ClinGen allele CA303944.
Genomic context (GRCh38, chr6:7,579,922, plus strand): 5'-ATCCATGCAAAAAGAGGATGATTCCAAAAATCTTAGAAACCAGCTTGATAGACTTTCAAG[G>GGAAAATC]GAAAATCGAGATCTGAAGGATGAAATTGTCAGGCTCAATGACAGCATCTTGCAGGCCACT-3'